The following is an entry in ClinVar:

ClinVar aggregate classification (germline): Pathogenic (1 of 4 stars; one submission).

Conditions:
Curry-Hall syndrome (WAD). Also called: WEYERS ACRODENTAL DYSOSTOSIS. Identifiers: Orphanet 952, MedGen C0457013, MONDO:0008673, OMIM 193530.
Ellis-van Creveld syndrome (EVC). Also called: EVC-Related Ellis-van Creveld Syndrome; EVC2-Related Ellis-van Creveld Syndrome; MESOECTODERMAL DYSPLASIA; Chondroectodermal dysplasia. Identifiers: Orphanet 289, MedGen C0013903, MONDO:0009162, OMIM 225500.

Submission:

Labcorp Genetics (formerly Invitae), Labcorp
Classification: Pathogenic for Curry-Hall syndrome; Ellis-van Creveld syndrome. Last evaluated: 2024-04-17. Review status: criteria provided, single submitter. Criteria: Invitae Variant Classification Sherloc (09022015). Collection method: clinical testing. Allele origin: germline.
Comment: This sequence change creates a premature translational stop signal (p.Ala489Lysfs*8) in the EVC gene. It is expected to result in an absent or disrupted protein product. Loss-of-function variants in EVC are known to be pathogenic (PMID: 23220543). This variant is not present in population databases (gnomAD no frequency). This variant has not been reported in the literature in individuals affected with EVC-related conditions. For these reasons, this variant has been classified as Pathogenic.

Literature cited by the submitters: PubMed 23220543.

NM_153717.3(EVC):c.1452_1464dup (p.Ala489fs)

Gene: EVC (EvC ciliary complex subunit 1; plus strand). Cytogenetic location: 4p16.2.
Variant type: Duplication.
Coding change: c.1452_1464dup on transcript NM_153717.3 (MANE Select); coding-DNA positions 1452 to 1464, 13 bases duplicated (AAAGTTTCTCGAG).
Protein change: p.Ala489fs; shifts the reading frame from alanine 489.
Molecular consequence: frameshift variant.
Genome position (GRCh38, 1-based): chr4:5,753,921-5,753,933, AAAGTTTCTCGAG duplicated. VCF-style (leftmost placement, unchanged base first): chr4-5753920-A-AAAAGTTTCTCGAG. GRCh37 (hg19) VCF-style: chr4-5755647-A-AAAAGTTTCTCGAG.
Other names: c.1452_1464dup, p.Ala489fs (NM_001306090.2, NM_001306092.2); short protein forms A489fs.
Identifiers: ClinVar variation 3755812 (VCV003755812.2).